The following is an entry in ClinVar:

NM_025114.4(CEP290):c.2991+1897G>A

Gene: CEP290 (centrosomal protein 290; minus strand). Cytogenetic location: 12q21.32.
Variant type: single nucleotide variant.
Coding change: c.2991+1897G>A on transcript NM_025114.4 (MANE Select); 1897 bases into the intron after coding-DNA position 2991, G replaced by A.
Molecular consequence: intron variant.
Genome position (GRCh38, 1-based): chr12:88,100,941, C>T on the plus strand (G>A on the coding strand, the complement: CEP290 is on the minus strand). VCF-style: chr12-88100941-C-T. GRCh37 (hg19) VCF-style: chr12-88494718-C-T.
Identifiers: ClinVar variation 668886 (VCV000668886.1), dbSNP rs2471534, ClinGen allele CA13692690.

ClinVar aggregate classification (germline): Benign (1 of 4 stars; one submission).

Allele frequency attached by ClinVar (database versions not stated): TOPMed 0.50001; gnomAD 0.50509 and 0.51491; 1000 Genomes Project 30x 0.51843; 1000 Genomes Project 0.52276.
gnomAD v4.1: 78,314 of 151,856 alleles (52%); highest among the groups gnomAD compares: East Asian, 72%; 22,608 homozygotes.

Submission:

GeneDx
Classification: Benign. Last evaluated: 2018-06-19. Review status: criteria provided, single submitter. Criteria: GeneDx Variant Classification (06012015). Collection method: clinical testing. Allele origin: germline. Affected: yes.
Comment: This variant is considered likely benign or benign based on one or more of the following criteria: it is a conservative change, it occurs at a poorly conserved position in the protein, it is predicted to be benign by multiple in silico algorithms, and/or has population frequency not consistent with disease.